The following is an entry in ClinVar:

ClinVar aggregate classification (germline): Conflicting classifications of pathogenicity. Review status: criteria provided, conflicting classifications (1 of 4 stars). 2 submissions from 2 submitters: Uncertain significance (1); Likely benign (1). Last evaluated 2024-10-31.

Conditions:
Dilated Cardiomyopathy, Recessive.

Allele frequency attached by ClinVar (database versions not stated): gnomAD exomes 0.00005 and 0.00008; TOPMed 0.00005; gnomAD 0.00007; ExAC 0.00026.
gnomAD v4.1: 86 of 1,580,716 alleles (0.0054%); highest among the groups gnomAD compares: Middle Eastern, 0.017%; no homozygotes.

Submissions (2):

Labcorp Genetics (formerly Invitae), Labcorp
Classification: Uncertain significance. Last evaluated: 2024-10-31. Review status: criteria provided, single submitter. Criteria: Invitae Variant Classification Sherloc (09022015). Collection method: clinical testing. Allele origin: germline.
Comment: This sequence change replaces alanine, which is neutral and non-polar, with serine, which is neutral and polar, at codon 739 of the PLEKHM2 protein (p.Ala739Ser). This variant is present in population databases (rs751676919, gnomAD 0.02%). This variant has not been reported in the literature in individuals affected with PLEKHM2-related conditions. ClinVar contains an entry for this variant (Variation ID: 572822). An algorithm developed to predict the effect of missense changes on protein structure and function outputs the following: PolyPhen-2: "Benign". The serine amino acid residue is found in multiple mammalian species, which suggests that this missense change does not adversely affect protein function. In summary, the available evidence is currently insufficient to determine the role of this variant in disease. Therefore, it has been classified as a Variant of Uncertain Significance.

Blueprint Genetics
Classification: Likely benign. Last evaluated: 2024-10-10. Review status: criteria provided, single submitter. Criteria: ACMG Guidelines, 2015. Collection method: clinical testing. Allele origin: germline.

NM_015164.4(PLEKHM2):c.2215G>T (p.Ala739Ser)

Gene: PLEKHM2 (pleckstrin homology and RUN domain containing M2; plus strand). Cytogenetic location: 1p36.21.
Variant type: single nucleotide variant.
Coding change: c.2215G>T on transcript NM_015164.4 (MANE Select); coding-DNA position 2215, G replaced by T.
Protein change: p.Ala739Ser; replaces alanine 739 with serine.
Molecular consequence: missense variant.
Genome position (GRCh38, 1-based): chr1:15,730,538, G>T. VCF-style: chr1-15730538-G-T. GRCh37 (hg19) VCF-style: chr1-16057033-G-T.
Other names: short protein forms A739S.
Identifiers: ClinVar variation 572822 (VCV000572822.7), dbSNP rs751676919, ClinGen allele CA617187.
Genomic context (GRCh38, chr1:15,730,538, plus strand): 5'-CCTGCCTGGCCCAGGCCTTACTTGCTTTGTCCCCCGTGCCCGCCCCCGCATCAGGCATCT[G>T]CTGTCACCGTGCGCTTCTACGGCCTTGTGCACTGGGAGGACCCCACAGACGAGTCCCTGG-3'
Protein context (NP_055979.2, residues 729-749): VAQESKCEAS[Ala739Ser]VTVRFYGLVH